The following is an entry in ClinVar:

NM_030782.5(CLPTM1L):c.1532+7G>A

Gene: CLPTM1L (CLPTM1 like). Cytogenetic location: 5p15.33.
Variant type: single nucleotide variant.
Coding change: c.1532+7G>A on transcript NM_030782.5 (MANE Select); 7 bases into the intron after coding-DNA position 1532, G replaced by A.
Molecular consequence: intron variant.
Genome position (GRCh38, 1-based): chr5:1,320,609, C>T on the plus strand (G>A on the coding strand, the complement: CLPTM1L is on the minus strand). VCF-style: chr5-1320609-C-T. GRCh37 (hg19) VCF-style: chr5-1320724-C-T.
Identifiers: ClinVar variation 3035456 (VCV003035456.2), dbSNP rs1429340504, ClinGen allele CA803952433.
Genomic context (GRCh38, chr5:1,320,609, plus strand): 5'-CATTCCGTTCAGCAGCAGCCACGCCGCTGAGACGGAGCAACGGCCGAGCATACGCAGCCG[C>T]ACTCACCACCGCTGGTACAGGTAGACCAGAAACACCACGTCGTCCCGGAAGCAGGCCAGC-3'

ClinVar aggregate classification (germline): Likely benign (0 of 4 stars; one submission).

Conditions:
CLPTM1L-related disorder. Also called: CLPTM1L-related condition.

Allele frequency attached by ClinVar (database versions not stated): TOPMed 0.00001.
gnomAD v4.1: 1 of 1,508,302 alleles (0.000066%); highest among the groups gnomAD compares: Non-Finnish European, 0.00009%; no homozygotes.

Submission:

PreventionGenetics, part of Exact Sciences
Classification: Likely benign for CLPTM1L-related condition. Last evaluated: 2019-08-10. Review status: no assertion criteria provided. Collection method: clinical testing. Allele origin: germline.
Comment: This variant is classified as likely benign based on ACMG/AMP sequence variant interpretation guidelines (Richards et al. 2015 PMID: 25741868, with internal and published modifications).